The following is an entry in ClinVar:

NM_000439.5(PCSK1):c.1109T>C (p.Leu370Pro)

Genes: CAST (calpastatin; plus strand), PCSK1 (proprotein convertase subtilisin/kexin type 1; minus strand), LOC101929710 (uncharacterized LOC101929710; plus strand). Cytogenetic location: 5q15.
Variant type: single nucleotide variant.
Coding change: c.1109T>C on transcript NM_000439.5 (MANE Select); coding-DNA position 1109, T replaced by C.
Protein change: p.Leu370Pro; replaces leucine 370 with proline.
Molecular consequence: missense variant. On other transcripts: intron variant (11).
Genome position (GRCh38, 1-based): chr5:96,408,310, A>G on the plus strand (T>C on the coding strand, the complement: PCSK1 is on the minus strand). VCF-style: chr5-96408310-A-G. GRCh37 (hg19) VCF-style: chr5-95744014-A-G.
Other names: c.-175+28658A>G (NM_001423252.1, NM_001423257.1, NM_001423260.1 and 6 more transcripts); c.968T>C, p.Leu323Pro (NM_001177875.2); c.-103+28658A>G (NM_001423253.1); c.-40+28658A>G (NM_001423258.1); short protein forms L323P, L370P.
Identifiers: ClinVar variation 2655596 (VCV002655596.22), dbSNP rs997818968, ClinGen allele CA122912216.

ClinVar aggregate classification (germline): Uncertain significance (1 of 4 stars; one submission).

gnomAD v4.1: 2 of 1,613,784 alleles (0.00012%); highest among the groups gnomAD compares: Admixed American, 0.0033%; no homozygotes.

Submission:

CeGaT Center for Human Genetics Tuebingen
Classification: Uncertain significance. Last evaluated: 2023-09-01. Review status: criteria provided, single submitter. Criteria: CeGaT Center For Human Genetics Tuebingen Variant Classification Criteria Version 2. Collection method: clinical testing. Allele origin: germline. Affected: yes. Observed: 1 variant allele.
Comment: PCSK1: PM2, PP3